The following is an entry in ClinVar:

NM_001903.5(CTNNA1):c.892G>T (p.Glu298Ter)

Gene: CTNNA1 (catenin alpha 1; plus strand). Cytogenetic location: 5q31.2.
Variant type: single nucleotide variant.
Coding change: c.892G>T on transcript NM_001903.5 (MANE Select); coding-DNA position 892, G replaced by T.
Protein change: p.Glu298Ter; replaces glutamic acid 298 with a stop codon.
Molecular consequence: nonsense.
Genome position (GRCh38, 1-based): chr5:138,827,548, G>T. VCF-style: chr5-138827548-G-T. GRCh37 (hg19) VCF-style: chr5-138163237-G-T.
Other names: c.892G>T, p.Glu298Ter (NM_001290307.3, NM_001323982.2, NM_001323983.1 and 3 more transcripts); c.583G>T, p.Glu195Ter (NM_001290309.3); c.523G>T, p.Glu175Ter (NM_001290310.3); short protein forms E175*, E195*, E298*.
Identifiers: ClinVar variation 2673318 (VCV002673318.1), dbSNP rs1581178228, ClinGen allele CA361130740.
Genomic context (GRCh38, chr5:138,827,548, plus strand): 5'-TAACATTCGGTAATACTTTCTCTGCAGAAACAAATCATTGTGGACCCCTTGAGCTTCAGC[G>T]AGGAGCGCTTTAGGCCTTCCCTGGAGGAGCGTCTGGAAAGCATCATTAGTGGGGCTGCCT-3'

ClinVar aggregate classification (germline): Pathogenic (1 of 4 stars; one submission).

Conditions:
Hereditary diffuse gastric adenocarcinoma (HDGC). Also called: DIFFUSE GASTRIC AND LOBULAR BREAST CANCER SYNDROME. Identifiers: Orphanet 26106, MedGen C1708349, MONDO:0007648, OMIM 137215.

Submission:

Myriad Genetics, Inc.
Classification: Pathogenic for Hereditary diffuse gastric adenocarcinoma. Last evaluated: 2023-07-05. Review status: criteria provided, single submitter. Criteria: Myriad Autosomal Dominant, Autosomal Recessive and X-Linked Classification Criteria (2023). Collection method: clinical testing. Allele origin: unknown.
Comment: This variant is considered pathogenic. This variant creates a termination codon and is predicted to result in premature protein truncation.